The following is an entry in ClinVar:

ClinVar aggregate classification (germline): Benign/Likely benign. Review status: criteria provided, multiple submitters, no conflicts (2 of 4 stars). 6 submissions from 6 submitters: Benign (1); Likely benign (4). 1 of the submissions does not count toward it. Last evaluated 2026-09-01.

Conditions:
ARID1B-Related Disorder. Identifiers: MedGen CN381337.
Inborn genetic diseases. Identifiers: MedGen C0950123, MeSH D030342.

Submissions (6):

CeGaT Center for Human Genetics Tuebingen
Classification: Likely benign. Last evaluated: 2026-09-01. Review status: criteria provided, single submitter. Criteria: CeGaT Center For Human Genetics Tuebingen Variant Classification Criteria Version 2. Collection method: clinical testing. Allele origin: germline. Affected: yes. Observed: 9 variant alleles.
Comment: ARID1B: BS1

Labcorp Genetics (formerly Invitae), Labcorp
Classification: Likely benign. Last evaluated: 2026-01-12. Review status: criteria provided, single submitter. Criteria: Invitae Variant Classification Sherloc (09022015). Collection method: clinical testing. Allele origin: germline.

Blueprint Genetics
Classification: Likely benign. Last evaluated: 2024-10-22. Review status: criteria provided, single submitter. Criteria: ACMG Guidelines, 2015. Collection method: clinical testing. Allele origin: germline.

Ambry Genetics
Classification: Likely benign for Inborn genetic diseases. Last evaluated: 2021-09-21. Review status: criteria provided, single submitter. Criteria: Ambry Variant Classification Scheme 2023. Collection method: clinical testing. Allele origin: germline.

GeneDx
Classification: Benign. Last evaluated: 2019-03-25. Review status: criteria provided, single submitter. Criteria: GeneDx Variant Classification Process June 2021. Collection method: clinical testing. Allele origin: germline. Affected: yes.

PreventionGenetics, part of Exact Sciences
Classification: Likely benign for ARID1B-related condition. Last evaluated: 2019-10-24. Review status: no assertion criteria provided. Collection method: clinical testing. Allele origin: germline. Not counted in ClinVar's aggregate classification.
Comment: This variant is classified as likely benign based on ACMG/AMP sequence variant interpretation guidelines (Richards et al. 2015 PMID: 25741868, with internal and published modifications).

NM_001374828.1(ARID1B):c.1211GAG[11] (p.Gly411_Ala412insGlyGlyGly)

Gene: ARID1B (AT-rich interaction domain 1B; plus strand). Cytogenetic location: 6q25.3.
Variant type: Microsatellite.
Coding change: c.1211GAG[11] on transcript NM_001374828.1 (MANE Select); 11 copies in a row of the 3-base unit GAG starting at c.1211; the reference has eight copies in a row; three copies, 9 bases duplicated.
Protein change: p.Gly411_Ala412insGlyGlyGly.
Molecular consequence: inframe insertion.
Genome position (GRCh38, 1-based): chr6:156,778,906-156,778,914, GAGGAGGAG duplicated; duplicating any 9 consecutive bases within chr6:156,778,890-156,778,914 gives the same sequence; the position shown is the placement nearest the transcript's 3' end. VCF-style (leftmost placement, unchanged base first): chr6-156778889-C-CGGAGGAGGA. GRCh37 (hg19) VCF-style: chr6-157100023-C-CGGAGGAGGA.
Other names: c.977_985dup (NM_020732.3); c.977_985dup9 (NM_020732.3); c.1211GAG[11], p.Gly411_Ala412insGlyGlyGly (NM_001371656.1, NM_001374820.1, NM_017519.3).
Identifiers: ClinVar variation 589786 (VCV000589786.37), dbSNP rs747790383, ClinGen allele CA452989622.